The following is an entry in ClinVar:

ClinVar aggregate classification (germline): Uncertain significance (1 of 4 stars; one submission).

Allele frequency attached by ClinVar (database versions not stated): gnomAD exomes below 0.00001.
gnomAD v4.1: 1 of 1,613,084 alleles (0.000062%); highest among the groups gnomAD compares: East Asian, 0.0022%; no homozygotes.

Submission:

Ambry Genetics
Classification: Uncertain significance. Last evaluated: 2022-01-15. Review status: criteria provided, single submitter. Criteria: Ambry Variant Classification Scheme 2023. Collection method: clinical testing. Allele origin: germline.
Comment: The p.L1116F variant (also known as c.3348A>T), located in coding exon 16 of the POLQ gene, results from an A to T substitution at nucleotide position 3348. The leucine at codon 1116 is replaced by phenylalanine, an amino acid with highly similar properties. This amino acid position is conserved. In addition, this alteration is predicted to be tolerated by in silico analysis. Since supporting evidence is limited at this time, the clinical significance of this alteration remains unclear.

NM_199420.4(POLQ):c.3348A>T (p.Leu1116Phe)

Gene: POLQ (DNA polymerase theta; minus strand). Cytogenetic location: 3q13.33.
Variant type: single nucleotide variant.
Coding change: c.3348A>T on transcript NM_199420.4 (MANE Select); coding-DNA position 3348, A replaced by T.
Protein change: p.Leu1116Phe; replaces leucine 1116 with phenylalanine.
Molecular consequence: missense variant.
Genome position (GRCh38, 1-based): chr3:121,489,583, T>A on the plus strand (A>T on the coding strand, the complement: POLQ is on the minus strand). VCF-style: chr3-121489583-T-A. GRCh37 (hg19) VCF-style: chr3-121208430-T-A.
Other names: short protein forms L1116F.
Identifiers: ClinVar variation 1730475 (VCV001730475.2), dbSNP rs2546787490, ClinGen allele CA354100530.